The following is an entry in ClinVar:

NM_147686.4(TRAF3IP2):c.1021C>G (p.Gln341Glu)

Genes: TRAF3IP2 (TRAF3 interacting protein 2; minus strand), TRAF3IP2-AS1 (TRAF3IP2 antisense RNA 1; plus strand). Cytogenetic location: 6q21.
Variant type: single nucleotide variant.
Coding change: c.1021C>G on transcript NM_147686.4 (MANE Select); coding-DNA position 1021, C replaced by G.
Protein change: p.Gln341Glu; replaces glutamine 341 with glutamic acid.
Molecular consequence: missense variant.
Genome position (GRCh38, 1-based): chr6:111,580,198, G>C on the plus strand (C>G on the coding strand, the complement: TRAF3IP2 is on the minus strand). VCF-style: chr6-111580198-G-C. GRCh37 (hg19) VCF-style: chr6-111901401-G-C.
Other names: c.1021C>G, p.Gln341Glu (NM_001164281.3); c.1048C>G, p.Gln350Glu (NM_147200.3); short protein forms Q350E, Q341E.
Identifiers: ClinVar variation 1396934 (VCV001396934.6), dbSNP rs1239436121, ClinGen allele CA365362841.

ClinVar aggregate classification (germline): Uncertain significance (1 of 4 stars; one submission).

Conditions:
Candidiasis, familial, 8 (CANDF8). Identifiers: Orphanet 1334, MedGen C3714992, MONDO:0014230, OMIM 615527.

Allele frequency attached by ClinVar (database versions not stated): gnomAD exomes below 0.00001 and 0.00001; TOPMed below 0.00001.

Submission:

Labcorp Genetics (formerly Invitae), Labcorp
Classification: Uncertain significance for Candidiasis, familial, 8. Last evaluated: 2022-09-07. Review status: criteria provided, single submitter. Criteria: Invitae Variant Classification Sherloc (09022015). Collection method: clinical testing. Allele origin: germline.
Comment: In summary, the available evidence is currently insufficient to determine the role of this variant in disease. Therefore, it has been classified as a Variant of Uncertain Significance. Algorithms developed to predict the effect of missense changes on protein structure and function (SIFT, PolyPhen-2, Align-GVGD) all suggest that this variant is likely to be tolerated. ClinVar contains an entry for this variant (Variation ID: 1396934). This variant has not been reported in the literature in individuals affected with TRAF3IP2-related conditions. This variant is present in population databases (no rsID available, gnomAD 0.0009%). This sequence change replaces glutamine, which is neutral and polar, with glutamic acid, which is acidic and polar, at codon 341 of the TRAF3IP2 protein (p.Gln341Glu).